The following is an entry in ClinVar:

ClinVar aggregate classification (germline): Uncertain significance. Review status: criteria provided, multiple submitters, no conflicts (2 of 4 stars). 2 submissions from 2 submitters: Uncertain significance (2). Last evaluated 2025-05-12.

Conditions:
Pheochromocytoma. Also called: MAX-Related Hereditary Paraganglioma-Pheochromocytoma Syndrome. Identifiers: Orphanet 29072, MedGen C0031511, MONDO:0008233, OMIM 171300, HP:0002666.
Pheochromocytoma/paraganglioma syndrome 4. Also called: CAROTID BODY TUMORS AND MULTIPLE EXTRAADRENAL PHEOCHROMOCYTOMAS; PARAGANGLIOMA, FAMILIAL MALIGNANT; PARAGANGLIOMAS, HEREDITARY EXTRAADRENAL; PHEOCHROMOCYTOMA, FAMILIAL EXTRAADRENAL; Paragangliomas 4; SDHB-Related Hereditary Paraganglioma-Pheochromocytoma Syndrome (Paragangliomas 4). Identifiers: Orphanet 29072, MedGen C1861848, MONDO:0007273, OMIM 115310.
Gastrointestinal stromal tumor. Also called: Gastrointestinal stromal tumor, somatic; Gastrointestinal stroma tumor. Identifiers: Orphanet 44890, MedGen C0238198, MeSH D046152, MONDO:0011719, OMIM 606764, HP:0100723.
Hereditary pheochromocytoma and paraganglioma. Also called: Hereditary paragangliomas and pheochromocytomas; Hereditary Paraganglioma-Pheochromocytoma Syndromes; Hereditary pheochromocytoma-paraganglioma. Identifiers: Orphanet 29072, MedGen C4274332, MONDO:0017366.

Submissions (2):

Color Diagnostics, LLC DBA Color Health
Classification: Uncertain significance for Hereditary pheochromocytoma and paraganglioma. Last evaluated: 2025-05-12. Review status: criteria provided, single submitter. Criteria: ACMG Guidelines, 2015. Collection method: clinical testing. Allele origin: germline.
Comment: This missense variant replaces methionine with threonine at codon 247 of the SDHB protein. Computational prediction suggests that this variant may have deleterious impact on protein structure and function. To our knowledge, functional studies have not been reported for this variant. This variant has not been reported in individuals affected with SDHB-related disorders in the literature. This variant has not been identified in the general population by the Genome Aggregation Database (gnomAD). The available evidence is insufficient to determine the role of this variant in disease conclusively. Therefore, this variant is classified as a Variant of Uncertain Significance.

Labcorp Genetics (formerly Invitae), Labcorp
Classification: Uncertain significance for Gastrointestinal stromal tumor; Pheochromocytoma/paraganglioma syndrome 4; Pheochromocytoma. Last evaluated: 2024-02-11. Review status: criteria provided, single submitter. Criteria: Invitae Variant Classification Sherloc (09022015). Collection method: clinical testing. Allele origin: germline.
Comment: This sequence change replaces methionine, which is neutral and non-polar, with threonine, which is neutral and polar, at codon 247 of the SDHB protein (p.Met247Thr). This variant is not present in population databases (gnomAD no frequency). This variant has not been reported in the literature in individuals affected with SDHB-related conditions. Advanced modeling of protein sequence and biophysical properties (such as structural, functional, and spatial information, amino acid conservation, physicochemical variation, residue mobility, and thermodynamic stability) has been performed at Invitae for this missense variant, however the output from this modeling did not meet the statistical confidence thresholds required to predict the impact of this variant on SDHB protein function. In summary, the available evidence is currently insufficient to determine the role of this variant in disease. Therefore, it has been classified as a Variant of Uncertain Significance.

NM_003000.3(SDHB):c.740T>C (p.Met247Thr)

Gene: SDHB (succinate dehydrogenase complex iron sulfur subunit B; minus strand). Cytogenetic location: 1p36.13.
Variant type: single nucleotide variant.
Coding change: c.740T>C on transcript NM_003000.3 (MANE Select); coding-DNA position 740, T replaced by C.
Protein change: p.Met247Thr; replaces methionine 247 with threonine.
Molecular consequence: missense variant.
Genome position (GRCh38, 1-based): chr1:17,022,633, A>G on the plus strand (T>C on the coding strand, the complement: SDHB is on the minus strand). VCF-style: chr1-17022633-A-G. GRCh37 (hg19) VCF-style: chr1-17349128-A-G.
Other names: c.686T>C, p.Met229Thr (NM_001407361.1); short protein forms M229T, M247T.
Identifiers: ClinVar variation 3754566 (VCV003754566.3).